The following is an entry in ClinVar:

ClinVar aggregate classification (germline): Uncertain significance (1 of 4 stars; one submission).

Submission:

GeneDx
Classification: Uncertain significance. Last evaluated: 2023-12-15. Review status: criteria provided, single submitter. Criteria: GeneDx Variant Classification Process June 2021. Collection method: clinical testing. Allele origin: germline. Affected: yes.
Comment: Not observed at significant frequency in large population cohorts (gnomAD); In silico analysis supports that this missense variant has a deleterious effect on protein structure/function; Has not been previously published as pathogenic or benign to our knowledge

NM_001297595.2(SIN3B):c.1381G>A (p.Glu461Lys)

Gene: SIN3B (SIN3 transcription regulator family member B; plus strand). Cytogenetic location: 19p13.11.
Variant type: single nucleotide variant.
Coding change: c.1381G>A on transcript NM_001297595.2 (MANE Select); coding-DNA position 1381, G replaced by A.
Protein change: p.Glu461Lys; replaces glutamic acid 461 with lysine.
Molecular consequence: missense variant.
Genome position (GRCh38, 1-based): chr19:16,863,794, G>A. VCF-style: chr19-16863794-G-A. GRCh37 (hg19) VCF-style: chr19-16974605-G-A.
Other names: c.151G>A, p.Glu51Lys (NM_001297597.2); c.1477G>A, p.Glu493Lys (NM_015260.4); short protein forms E461K, E493K, E51K.
Identifiers: ClinVar variation 3364875 (VCV003364875.1).